The following is an entry in ClinVar:

NM_000135.4(FANCA):c.4330C>G (p.Pro1444Ala)

Genes: FANCA (FA complementation group A; minus strand), ZNF276 (zinc finger protein 276; plus strand). Cytogenetic location: 16q24.3.
Variant type: single nucleotide variant.
Coding change: c.4330C>G on transcript NM_000135.4 (MANE Select); coding-DNA position 4330, C replaced by G.
Protein change: p.Pro1444Ala; replaces proline 1444 with alanine.
Molecular consequence: missense variant. On other transcripts: 3 prime UTR variant (3), non-coding transcript variant (4).
Genome position (GRCh38, 1-based): chr16:89,738,639, G>C on the plus strand (C>G on the coding strand, the complement: FANCA is on the minus strand). VCF-style: chr16-89738639-G-C. GRCh37 (hg19) VCF-style: chr16-89805047-G-C.
Other names: c.*59C>G (NM_001286167.3); c.*393G>C (NM_001113525.2, NM_152287.4); short protein forms P1444A.
Identifiers: ClinVar variation 2067546 (VCV002067546.6), dbSNP rs17233783, ClinGen allele CA8250571.

ClinVar aggregate classification (germline): Uncertain significance. Review status: criteria provided, multiple submitters, no conflicts (2 of 4 stars). 3 submissions from 3 submitters: Uncertain significance (2). 1 of the submissions does not count toward it. Last evaluated 2025-01-14.

Conditions:
Fanconi anemia (FA). Also called: Fanconi's anemia. Identifiers: Orphanet 84, MedGen C0015625, MeSH D005199, MONDO:0019391.
FANCA-related disorder. Also called: FANCA-related condition.
Inborn genetic diseases. Identifiers: MedGen C0950123, MeSH D030342.

Allele frequency attached by ClinVar (database versions not stated): ExAC 0.00001; TOPMed 0.00002.

Submissions (3):

Ambry Genetics
Classification: Uncertain significance for Inborn genetic diseases. Last evaluated: 2025-01-14. Review status: criteria provided, single submitter. Criteria: Ambry Variant Classification Scheme 2023. Collection method: clinical testing. Allele origin: germline.
Comment: The p.P1444A variant (also known as c.4330C>G), located in coding exon 43 of the FANCA gene, results from a C to G substitution at nucleotide position 4330. The proline at codon 1444 is replaced by alanine, an amino acid with highly similar properties. This amino acid position is conserved. In addition, this alteration is predicted to be tolerated by in silico analysis. Based on the available evidence, the clinical significance of this variant remains unclear.

Labcorp Genetics (formerly Invitae), Labcorp
Classification: Uncertain significance for Fanconi anemia. Last evaluated: 2024-08-24. Review status: criteria provided, single submitter. Criteria: Invitae Variant Classification Sherloc (09022015). Collection method: clinical testing. Allele origin: germline.
Comment: This sequence change replaces proline, which is neutral and non-polar, with alanine, which is neutral and non-polar, at codon 1444 of the FANCA protein (p.Pro1444Ala). This variant is present in population databases (rs17233783, gnomAD 0.007%). This variant has not been reported in the literature in individuals affected with FANCA-related conditions. ClinVar contains an entry for this variant (Variation ID: 2067546). Invitae Evidence Modeling of protein sequence and biophysical properties (such as structural, functional, and spatial information, amino acid conservation, physicochemical variation, residue mobility, and thermodynamic stability) indicates that this missense variant is not expected to disrupt FANCA protein function with a negative predictive value of 95%. In summary, the available evidence is currently insufficient to determine the role of this variant in disease. Therefore, it has been classified as a Variant of Uncertain Significance.

PreventionGenetics, part of Exact Sciences
Classification: Uncertain significance for FANCA-related condition. Last evaluated: 2024-04-21. Review status: no assertion criteria provided. Collection method: clinical testing. Allele origin: germline. Not counted in ClinVar's aggregate classification.
Comment: The FANCA c.4330C>G variant is predicted to result in the amino acid substitution p.Pro1444Ala. To our knowledge, this variant has not been reported in the literature. This variant is reported in 0.0062% of alleles in individuals of African descent in gnomAD. At this time, the clinical significance of this variant is uncertain due to the absence of conclusive functional and genetic evidence.